The following is an entry in ClinVar:

ClinVar aggregate classification (germline): Uncertain significance (1 of 4 stars; one submission).

Conditions:
Ehlers-Danlos syndrome, type 4 (EDSVASC). Also called: Ehlers-Danlos syndrome vascular type; Ehlers Danlos syndrome, ecchymotic type; Ehlers Danlos syndrome, arterial type; Ehlers Danlos syndrome, Sack-Barabas type; Ehlers-Danlos Syndrome Type IV. Identifiers: Orphanet 286, MedGen C0268338, MONDO:0017314, OMIM 130050.

Submission:

Labcorp Genetics (formerly Invitae), Labcorp
Classification: Uncertain significance for Ehlers-Danlos syndrome, type 4. Last evaluated: 2024-02-14. Review status: criteria provided, single submitter. Criteria: Invitae Variant Classification Sherloc (09022015). Collection method: clinical testing. Allele origin: germline.
Comment: This sequence change replaces isoleucine, which is neutral and non-polar, with valine, which is neutral and non-polar, at codon 499 of the COL3A1 protein (p.Ile499Val). This variant is not present in population databases (gnomAD no frequency). This variant has not been reported in the literature in individuals affected with COL3A1-related conditions. Advanced modeling of protein sequence and biophysical properties (such as structural, functional, and spatial information, amino acid conservation, physicochemical variation, residue mobility, and thermodynamic stability) performed at Invitae indicates that this missense variant is not expected to disrupt COL3A1 protein function with a negative predictive value of 95%. In summary, the available evidence is currently insufficient to determine the role of this variant in disease. Therefore, it has been classified as a Variant of Uncertain Significance.

NM_000090.4(COL3A1):c.1495A>G (p.Ile499Val)

Gene: COL3A1 (collagen type III alpha 1 chain; plus strand). Cytogenetic location: 2q32.2.
Variant type: single nucleotide variant.
Coding change: c.1495A>G on transcript NM_000090.4 (MANE Select); coding-DNA position 1495, A replaced by G.
Protein change: p.Ile499Val; replaces isoleucine 499 with valine.
Molecular consequence: missense variant.
Genome position (GRCh38, 1-based): chr2:188,995,085, A>G. VCF-style: chr2-188995085-A-G. GRCh37 (hg19) VCF-style: chr2-189859811-A-G.
Other names: short protein forms I499V.
Identifiers: ClinVar variation 3695456 (VCV003695456.2).